The following is an entry in ClinVar:

NM_014319.5(LEMD3):c.2027T>C (p.Val676Ala)

Gene: LEMD3 (LEM domain containing 3; plus strand). Cytogenetic location: 12q14.3.
Variant type: single nucleotide variant.
Coding change: c.2027T>C on transcript NM_014319.5 (MANE Select); coding-DNA position 2027, T replaced by C.
Protein change: p.Val676Ala; replaces valine 676 with alanine.
Molecular consequence: missense variant.
Genome position (GRCh38, 1-based): chr12:65,240,139, T>C. VCF-style: chr12-65240139-T-C. GRCh37 (hg19) VCF-style: chr12-65633919-T-C.
Other names: c.2024T>C, p.Val675Ala (NM_001167614.2); c.2027T>C (NM_014319.4); short protein forms V675A, V676A.
Identifiers: ClinVar variation 1482782 (VCV001482782.8), dbSNP rs201433608, ClinGen allele CA6671115.

ClinVar aggregate classification (germline): Uncertain significance. Review status: criteria provided, multiple submitters, no conflicts (2 of 4 stars). 2 submissions from 2 submitters: Uncertain significance (2). Last evaluated 2026-01-25.

Conditions:
Inborn genetic diseases. Identifiers: MedGen C0950123, MeSH D030342.

Allele frequency attached by ClinVar (database versions not stated): gnomAD exomes 0.00006 and 0.00017; ExAC 0.00008; TOPMed 0.00008; gnomAD 0.00009 and 0.00010.

Submissions (2):

Labcorp Genetics (formerly Invitae), Labcorp
Classification: Uncertain significance. Last evaluated: 2026-01-25. Review status: criteria provided, single submitter. Criteria: Invitae Variant Classification Sherloc (09022015). Collection method: clinical testing. Allele origin: germline.
Comment: This sequence change replaces valine, which is neutral and non-polar, with alanine, which is neutral and non-polar, at codon 676 of the LEMD3 protein (p.Val676Ala). This variant is present in population databases (rs201433608, gnomAD 0.03%), and has an allele count higher than expected for a pathogenic variant. This variant has not been reported in the literature in individuals affected with LEMD3-related conditions. ClinVar contains an entry for this variant (Variation ID: 1482782). Invitae Evidence Modeling of protein sequence and biophysical properties (such as structural, functional, and spatial information, amino acid conservation, physicochemical variation, residue mobility, and thermodynamic stability) indicates that this missense variant is not expected to disrupt LEMD3 protein function with a negative predictive value of 80%. In summary, the available evidence is currently insufficient to determine the role of this variant in disease. Therefore, it has been classified as a Variant of Uncertain Significance.

Ambry Genetics
Classification: Uncertain significance for Inborn genetic diseases. Last evaluated: 2024-07-02. Review status: criteria provided, single submitter. Criteria: Ambry Variant Classification Scheme 2023. Collection method: clinical testing. Allele origin: germline.